The following is an entry in ClinVar:

NM_003630.3(PEX3):c.699_700dup (p.Leu234fs)

Gene: PEX3 (peroxisomal biogenesis factor 3; plus strand). Cytogenetic location: 6q24.2.
Variant type: Duplication.
Coding change: c.699_700dup on transcript NM_003630.3 (MANE Select); coding-DNA positions 699 to 700, 2 bases duplicated (AT; older notation c.699_700dupAT).
Protein change: p.Leu234fs; shifts the reading frame from leucine 234.
Molecular consequence: frameshift variant.
Genome position (GRCh38, 1-based): chr6:143,472,280-143,472,281, AT duplicated; duplicating any 2 consecutive bases within chr6:143,472,279-143,472,281 gives the same sequence; the c. name uses the placement nearest the transcript's 3' end. VCF-style (leftmost placement, unchanged base first): chr6-143472278-T-TTA. GRCh37 (hg19) VCF-style: chr6-143793415-T-TTA.
Other names: short protein forms L234fs.
Identifiers: ClinVar variation 4722273 (VCV004722273.1).
Genomic context (GRCh38, chr6:143,472,278, plus strand): 5'-AGAAATCTCGTTGAGCAGCATAAGTCTTCTTCTTGGATTAATAAAGATGGATCCAAACCT[T>TTA]TATTATGCCATTATATGATGCCAGATGAAGAAACTCCATTAGCAGTGCAGGTGCTTAATT-3'

ClinVar aggregate classification (germline): Pathogenic (1 of 4 stars; one submission).

Submission:

Labcorp Genetics (formerly Invitae), Labcorp
Classification: Pathogenic. Last evaluated: 2025-06-29. Review status: criteria provided, single submitter. Criteria: Invitae Variant Classification Sherloc (09022015). Collection method: clinical testing. Allele origin: germline.
Comment: This sequence change creates a premature translational stop signal (p.Leu234Tyrfs*6) in the PEX3 gene. It is expected to result in an absent or disrupted protein product. Loss-of-function variants in PEX3 are known to be pathogenic (PMID: 10942428, 21031596). This variant is not present in population databases (gnomAD no frequency). This variant has not been reported in the literature in individuals affected with PEX3-related conditions. Algorithms developed to predict the effect of sequence changes on RNA splicing suggest that this variant may disrupt the consensus splice site. For these reasons, this variant has been classified as Pathogenic.

Literature cited by the submitters: PubMed 10942428; PubMed 21031596.